The following is an entry in ClinVar:

NM_004380.3(CREBBP):c.7224G>A (p.Met2408Ile)

Gene: CREBBP (CREB binding lysine acetyltransferase; minus strand). Cytogenetic location: 16p13.3.
Variant type: single nucleotide variant.
Coding change: c.7224G>A on transcript NM_004380.3 (MANE Select); coding-DNA position 7224, G replaced by A.
Protein change: p.Met2408Ile; replaces methionine 2408 with isoleucine.
Molecular consequence: missense variant.
Genome position (GRCh38, 1-based): chr16:3,727,823, C>T on the plus strand (G>A on the coding strand, the complement: CREBBP is on the minus strand). VCF-style: chr16-3727823-C-T. GRCh37 (hg19) VCF-style: chr16-3777824-C-T.
Other names: c.7110G>A, p.Met2370Ile (NM_001079846.1); short protein forms M2370I, M2408I.
Identifiers: ClinVar variation 3028935 (VCV003028935.2), dbSNP rs1387733150, ClinGen allele CA394550270.

ClinVar aggregate classification (germline): Uncertain significance (0 of 4 stars; one submission).

Conditions:
CREBBP-related disorder. Also called: CREBBP-related condition; CREBBP-related disorders.

Submission:

PreventionGenetics, part of Exact Sciences
Classification: Uncertain significance for CREBBP-related condition. Last evaluated: 2024-01-22. Review status: no assertion criteria provided. Collection method: clinical testing. Allele origin: germline.
Comment: The CREBBP c.7224G>A variant is predicted to result in the amino acid substitution p.Met2408Ile. To our knowledge, this variant has not been reported in the literature or in a large population database, indicating this variant is rare. At this time, the clinical significance of this variant is uncertain due to the absence of conclusive functional and genetic evidence.